The following is an entry in ClinVar:

NM_006218.4(PIK3CA):c.2937-3T>C

Gene: PIK3CA (phosphatidylinositol-4,5-bisphosphate 3-kinase catalytic subunit alpha; plus strand). Cytogenetic location: 3q26.32.
Variant type: single nucleotide variant.
Coding change: c.2937-3T>C on transcript NM_006218.4 (MANE Select); 3 bases into the intron before coding-DNA position 2937, T replaced by C.
Molecular consequence: intron variant.
Genome position (GRCh38, 1-based): chr3:179,234,091, T>C. VCF-style: chr3-179234091-T-C. GRCh37 (hg19) VCF-style: chr3-178951879-T-C.
Other names: c.2937-3T>C (LRG_310t1).
Identifiers: ClinVar variation 657238 (VCV000657238.31), dbSNP rs760056670, ClinGen allele CA2711046.

ClinVar aggregate classification (germline): Conflicting classifications of pathogenicity. Review status: criteria provided, conflicting classifications (1 of 4 stars). 2 submissions from 2 submitters: Uncertain significance (1); Likely benign (1). Last evaluated 2023-11-07.

Conditions:
Cowden syndrome (CS). Also called: Cowden's disease; Cowden's syndrome; Cowden disease. Identifiers: Orphanet 201, MedGen C0018553, MONDO:0016063. Disease mechanism: gain of function.

Allele frequency attached by ClinVar (database versions not stated): ExAC 0.00001; gnomAD 0.00001; gnomAD exomes 0.00001 and 0.00002; TOPMed 0.00002.
gnomAD v4.1: 17 of 1,597,068 alleles (0.0011%); highest among the groups gnomAD compares: Admixed American, 0.0017%; no homozygotes.

Submissions (2):

Labcorp Genetics (formerly Invitae), Labcorp
Classification: Uncertain significance for Cowden syndrome. Last evaluated: 2023-11-07. Review status: criteria provided, single submitter. Criteria: Invitae Variant Classification Sherloc (09022015). Collection method: clinical testing. Allele origin: germline.
Comment: This sequence change falls in intron 20 of the PIK3CA gene. It does not directly change the encoded amino acid sequence of the PIK3CA protein. It affects a nucleotide within the consensus splice site. This variant is present in population databases (rs760056670, gnomAD 0.005%). This variant has not been reported in the literature in individuals affected with PIK3CA-related conditions. ClinVar contains an entry for this variant (Variation ID: 657238). Variants that disrupt the consensus splice site are a relatively common cause of aberrant splicing (PMID: 17576681, 9536098). Algorithms developed to predict the effect of sequence changes on RNA splicing suggest that this variant is not likely to affect RNA splicing. In summary, the available evidence is currently insufficient to determine the role of this variant in disease. Therefore, it has been classified as a Variant of Uncertain Significance.

CeGaT Center for Human Genetics Tuebingen
Classification: Likely benign. Last evaluated: 2022-04-01. Review status: criteria provided, single submitter. Criteria: CeGaT Center For Human Genetics Tuebingen Variant Classification Criteria Version 2. Collection method: clinical testing. Allele origin: germline. Affected: yes. Observed: 1 variant allele.
Comment: PIK3CA: BP4

Literature cited by the submitters: PubMed 17576681 (cited by Labcorp Genetics (formerly Invitae), Labcorp); PubMed 9536098 (cited by Labcorp Genetics (formerly Invitae), Labcorp).